The following is an entry in ClinVar:

ClinVar aggregate classification (germline): Uncertain significance (1 of 4 stars; one submission).

Conditions:
Primary ciliary dyskinesia. Also called: Ciliary dyskinesia. Identifiers: Orphanet 244, MedGen C0008780, MONDO:0016575, HP:0012265.

Allele frequency attached by ClinVar (database versions not stated): gnomAD exomes 0.00001; TOPMed 0.00002; ExAC 0.00004; gnomAD 0.00004; 1000 Genomes Project 0.00060; 1000 Genomes Project 30x 0.00062.

Submission:

Labcorp Genetics (formerly Invitae), Labcorp
Classification: Uncertain significance for Primary ciliary dyskinesia. Last evaluated: 2022-03-15. Review status: criteria provided, single submitter. Criteria: Invitae Variant Classification Sherloc (09022015). Collection method: clinical testing. Allele origin: germline.
Comment: This sequence change falls in intron 15 of the CCDC40 gene. It does not directly change the encoded amino acid sequence of the CCDC40 protein. It affects a nucleotide within the consensus splice site. This variant is present in population databases (rs184333269, gnomAD 0.02%). This variant has not been reported in the literature in individuals affected with CCDC40-related conditions. Variants that disrupt the consensus splice site are a relatively common cause of aberrant splicing (PMID: 17576681, 9536098). Algorithms developed to predict the effect of sequence changes on RNA splicing suggest that this variant is not likely to affect RNA splicing. In summary, the available evidence is currently insufficient to determine the role of this variant in disease. Therefore, it has been classified as a Variant of Uncertain Significance.

Literature cited by the submitters: PubMed 17576681; PubMed 9536098.

NM_017950.4(CCDC40):c.2619+5G>A

Gene: CCDC40 (coiled-coil domain 40 molecular ruler complex subunit; plus strand). Cytogenetic location: 17q25.3.
Variant type: single nucleotide variant.
Coding change: c.2619+5G>A on transcript NM_017950.4 (MANE Select); 5 bases into the intron after coding-DNA position 2619, G replaced by A.
Molecular consequence: intron variant.
Genome position (GRCh38, 1-based): chr17:80,087,781, G>A. VCF-style: chr17-80087781-G-A. GRCh37 (hg19) VCF-style: chr17-78061580-G-A.
Other names: c.2619+5G>A (NM_001243342.2).
Identifiers: ClinVar variation 2419997 (VCV002419997.11), dbSNP rs184333269, ClinGen allele CA8814260.
Genomic context (GRCh38, chr17:80,087,781, plus strand): 5'-AGGAGCTGGAGCAGAACAACCGGGTGACAGAGAATGAGTTCGTGCGCTCGCTGAAGGTCC[G>A]GCCGTGTCCACGCAGTCCCGGGGCTCAGGACGATGGAGGGCGGGGGTACGGTCCTTGCGG-3'